The following is an entry in ClinVar:

NM_020937.4(FANCM):c.2788A>G (p.Thr930Ala)

Gene: FANCM (FA complementation group M; plus strand). Cytogenetic location: 14q21.2.
Variant type: single nucleotide variant.
Coding change: c.2788A>G on transcript NM_020937.4 (MANE Select); coding-DNA position 2788, A replaced by G.
Protein change: p.Thr930Ala; replaces threonine 930 with alanine.
Molecular consequence: missense variant.
Genome position (GRCh38, 1-based): chr14:45,175,542, A>G. VCF-style: chr14-45175542-A-G. GRCh37 (hg19) VCF-style: chr14-45644745-A-G.
Other names: c.2710A>G, p.Thr904Ala (NM_001308133.2); short protein forms T904A, T930A.
Identifiers: ClinVar variation 2576695 (VCV002576695.1), dbSNP rs2503184051, ClinGen allele CA389599181.

ClinVar aggregate classification (germline): Uncertain significance (1 of 4 stars; one submission).

Allele frequency attached by ClinVar (database versions not stated): gnomAD exomes below 0.00001.
gnomAD v4.1: 3 of 1,613,104 alleles (0.00019%); highest among the groups gnomAD compares: Non-Finnish European, 0.00025%; no homozygotes.

Submission:

GeneDx
Classification: Uncertain significance. Last evaluated: 2023-02-17. Review status: criteria provided, single submitter. Criteria: GeneDx Variant Classification Process June 2021. Collection method: clinical testing. Allele origin: germline. Affected: yes.
Comment: Not observed at significant frequency in large population cohorts (gnomAD); In silico analysis supports that this missense variant does not alter protein structure/function; Has not been previously published as pathogenic or benign to our knowledge